The following is an entry in ClinVar:

NM_001042492.3(NF1):c.3870G>T (p.Lys1290Asn)

Gene: NF1 (neurofibromin 1; plus strand). Cytogenetic location: 17q11.2.
Variant type: single nucleotide variant.
Coding change: c.3870G>T on transcript NM_001042492.3 (MANE Select); coding-DNA position 3870, G replaced by T.
Protein change: p.Lys1290Asn; replaces lysine 1290 with asparagine.
Molecular consequence: missense variant.
Genome position (GRCh38, 1-based): chr17:31,235,772, G>T. VCF-style: chr17-31235772-G-T. GRCh37 (hg19) VCF-style: chr17-29562790-G-T.
Other names: c.3870G>T, p.Lys1290Asn (NM_000267.4); short protein forms K1290N.
Identifiers: ClinVar variation 4615808 (VCV004615808.1).

ClinVar aggregate classification (germline): Uncertain significance (1 of 4 stars; one submission).

Conditions:
Cardiovascular phenotype. Identifiers: MedGen CN230736.
Hereditary cancer-predisposing syndrome. Also called: Neoplastic Syndromes, Hereditary; Tumor predisposition; Hereditary Cancer Syndrome; Hereditary neoplastic syndrome. Identifiers: Orphanet 140162, MedGen C0027672, MeSH D009386, MONDO:0015356.

Submission:

Ambry Genetics
Classification: Uncertain significance for Cardiovascular phenotype; Hereditary cancer-predisposing syndrome. Last evaluated: 2025-11-21. Review status: criteria provided, single submitter. Criteria: Ambry Variant Classification Scheme 2023. Collection method: clinical testing. Allele origin: germline.
Comment: The c.3870G>T variant (also known as p.K1290N), located in coding exon 28 of the NF1 gene, results from a G to T substitution at nucleotide position 3870. The amino acid change results in lysine to asparagine at codon 1290, an amino acid with similar properties. However, this change occurs in the last base pair of coding exon 28 and may have some effect on normal mRNA splicing. This nucleotide position is highly conserved in available vertebrate species. In silico splice site analysis predicts that this alteration will weaken the native splice donor site and may result in the creation or strengthening of a novel splice donor site. This amino acid position is highly conserved in available vertebrate species. In addition, the in silico prediction for this missense substitution is inconclusive. Based on the available evidence, the clinical significance of this variant remains unclear.